The following is an entry in ClinVar:

NM_000051.4(ATM):c.7292A>G (p.Lys2431Arg)

Genes: ATM (ATM serine/threonine kinase; plus strand), C11orf65 (chromosome 11 open reading frame 65; minus strand). Cytogenetic location: 11q22.3.
Variant type: single nucleotide variant.
Coding change: c.7292A>G on transcript NM_000051.4 (MANE Select); coding-DNA position 7292, A replaced by G.
Protein change: p.Lys2431Arg; replaces lysine 2431 with arginine.
Molecular consequence: missense variant. On other transcripts: intron variant (2).
Genome position (GRCh38, 1-based): chr11:108,329,223, A>G. VCF-style: chr11-108329223-A-G. GRCh37 (hg19) VCF-style: chr11-108199950-A-G.
Other names: c.7292A>G, p.Lys2431Arg (NM_001351834.2); c.641-20152T>C (NM_001330368.2); c.*38+5997T>C (NM_001351110.2); short protein forms K2431R.
Identifiers: ClinVar variation 4843908 (VCV004843908.1).
Genomic context (GRCh38, chr11:108,329,223, plus strand): 5'-AAAACAAGCAAGCTCTCCTGAAAAGAGCCAAAGAGGAAGTAGGTCTCCTTAGGGAACATA[A>G]AATTCAGACAAACAGGTAACTAGGTTTCTACAAGTGACAATTTTATGTTCACCAGTTAAC-3'
Protein context (NP_000042.3, residues 2421-2441): KEEVGLLREH[Lys2431Arg]IQTNRYTVKV

ClinVar aggregate classification (germline): Uncertain significance (1 of 4 stars; one submission).

Conditions:
Hereditary cancer-predisposing syndrome. Also called: Tumor predisposition; Hereditary neoplastic syndrome; Hereditary Cancer Syndrome; Neoplastic Syndromes, Hereditary. Identifiers: Orphanet 140162, MedGen C0027672, MeSH D009386, MONDO:0015356.

Submission:

Ambry Genetics
Classification: Uncertain significance for Hereditary cancer-predisposing syndrome. Last evaluated: 2025-12-21. Review status: criteria provided, single submitter. Criteria: Ambry Variant Classification Scheme 2023. Collection method: clinical testing. Allele origin: germline.
Comment: The p.K2431R variant (also known as c.7292A>G), located in coding exon 48 of the ATM gene, results from an A to G substitution at nucleotide position 7292. The lysine at codon 2431 is replaced by arginine, an amino acid with highly similar properties. This amino acid position is conserved. In addition, this alteration is predicted to be tolerated by in silico analysis. Based on the available evidence, the clinical significance of this variant remains unclear.